The following is an entry in ClinVar:

ClinVar aggregate classification (germline): Likely pathogenic (1 of 4 stars; one submission).

Conditions:
Microcephaly, normal intelligence and immunodeficiency (NBS). Also called: SEEMANOVA SYNDROME II; Ataxia telangiectasia variant V1; BERLIN BREAKAGE SYNDROME; Immunodeficiency, microcephaly with normal intelligence; Nijmegen breakage syndrome; Microcephaly with normal intelligence immunodeficiency and lymphoreticular malignancies. Identifiers: Orphanet 647, MedGen C0398791, MONDO:0009623, OMIM 251260.

gnomAD v4.1: 1 of 1,612,554 alleles (0.000062%); highest among the groups gnomAD compares: Non-Finnish European, 0.000085%; no homozygotes.

Submission:

Labcorp Genetics (formerly Invitae), Labcorp
Classification: Likely pathogenic for Microcephaly, normal intelligence and immunodeficiency. Last evaluated: 2021-08-19. Review status: criteria provided, single submitter. Criteria: Invitae Variant Classification Sherloc (09022015). Collection method: clinical testing. Allele origin: germline.
Comment: This sequence change affects a donor splice site in intron 2 of the NBN gene. It is expected to disrupt RNA splicing. Variants that disrupt the donor or acceptor splice site typically lead to a loss of protein function (PMID: 16199547), and loss-of-function variants in NBN are known to be pathogenic (PMID: 9590180, 16415040). This variant is not present in population databases (ExAC no frequency). Disruption of this splice site has been observed in individual(s) with clinical features of NBN-related conditions (PMID: 31214711). Algorithms developed to predict the effect of sequence changes on RNA splicing suggest that this variant may disrupt the consensus splice site. In summary, the currently available evidence indicates that the variant is pathogenic, but additional data are needed to prove that conclusively. Therefore, this variant has been classified as Likely Pathogenic.

Literature cited by the submitters: PubMed 16199547; PubMed 9590180; PubMed 16415040; PubMed 31214711.

NM_002485.5(NBN):c.171+1G>T

Gene: NBN (nibrin; minus strand). Cytogenetic location: 8q21.3.
Variant type: single nucleotide variant.
Coding change: c.171+1G>T on transcript NM_002485.5 (MANE Select); the canonical splice donor site of the intron after coding-DNA position 171, G replaced by T.
Molecular consequence: splice donor variant.
Genome position (GRCh38, 1-based): chr8:89,982,721, C>A on the plus strand (G>T on the coding strand, the complement: NBN is on the minus strand). VCF-style: chr8-89982721-C-A. GRCh37 (hg19) VCF-style: chr8-90994949-C-A.
Other names: c.-126+1G>T (NM_001024688.3).
Identifiers: ClinVar variation 1522311 (VCV001522311.6), dbSNP rs931715719, ClinGen allele CA371662859.
Genomic context (GRCh38, chr8:89,982,721, plus strand): 5'-AGAATATTTTGTGATTTCAACCCCCTTACTGGAAACTAGTGAAATAAAATTAGTAACATA[C>A]CAGGTTGGTTACAGAAAAGTTAGCAGTTAACACAGCATGATTTCGGCTGATCGACTGATC-3'